The following is an entry in ClinVar:

ClinVar aggregate classification (germline): Likely benign. Review status: criteria provided, multiple submitters, no conflicts (2 of 4 stars). 3 submissions from 3 submitters: Likely benign (3). Last evaluated 2025-08-12.

Conditions:
Inborn genetic diseases. Identifiers: MedGen C0950123, MeSH D030342.
Charcot-Marie-Tooth disease type 4. Also called: Charcot-Marie-Tooth disease, type IV; Charcot-Marie-Tooth, Type 4. Identifiers: Orphanet 64749, MedGen C4082197, MONDO:0018995.

Allele frequency attached by ClinVar (database versions not stated): gnomAD exomes below 0.00001.
gnomAD v4.1: 1 of 1,612,720 alleles (0.000062%); highest among the groups gnomAD compares: South Asian, 0.0011%; no homozygotes.

Submissions (3):

Labcorp Genetics (formerly Invitae), Labcorp
Classification: Likely benign for Charcot-Marie-Tooth disease type 4. Last evaluated: 2025-08-12. Review status: criteria provided, single submitter. Criteria: Invitae Variant Classification Sherloc (09022015). Collection method: clinical testing. Allele origin: germline.

Ambry Genetics
Classification: Likely benign for Inborn genetic diseases. Last evaluated: 2019-07-11. Review status: criteria provided, single submitter. Criteria: Ambry Variant Classification Scheme 2023. Collection method: clinical testing. Allele origin: germline.

GeneDx
Classification: Likely benign. Last evaluated: 2016-07-05. Review status: criteria provided, single submitter. Criteria: GeneDx Variant Classification (06012015). Collection method: clinical testing. Allele origin: germline. Affected: yes.
Comment: This variant is considered likely benign or benign based on one or more of the following criteria: it is a conservative change, it occurs at a poorly conserved position in the protein, it is predicted to be benign by multiple in silico algorithms, and/or has population frequency not consistent with disease.

NM_181882.3(PRX):c.1725G>A (p.Pro575=)

Gene: PRX (periaxin; minus strand). Cytogenetic location: 19q13.2.
Variant type: single nucleotide variant.
Coding change: c.1725G>A on transcript NM_181882.3 (MANE Select); coding-DNA position 1725, G replaced by A.
Protein change: p.Pro575=; no amino-acid change (proline 575 retained).
Molecular consequence: synonymous variant. On other transcripts: 3 prime UTR variant (1).
Genome position (GRCh38, 1-based): chr19:40,396,627, C>T on the plus strand (G>A on the coding strand, the complement: PRX is on the minus strand). VCF-style: chr19-40396627-C-T. GRCh37 (hg19) VCF-style: chr19-40902534-C-T.
Other names: c.*1930G>A (NM_020956.2).
Identifiers: ClinVar variation 387483 (VCV000387483.6), dbSNP rs1043949955, ClinGen allele CA16608167.